The following is an entry in ClinVar:

ClinVar aggregate classification (germline): Uncertain significance (1 of 4 stars; one submission).

Conditions:
Hereditary cancer-predisposing syndrome. Also called: Neoplastic Syndromes, Hereditary; Tumor predisposition; Hereditary neoplastic syndrome; Hereditary Cancer Syndrome. Identifiers: Orphanet 140162, MedGen C0027672, MeSH D009386, MONDO:0015356.

Submission:

Ambry Genetics
Classification: Uncertain significance for Hereditary cancer-predisposing syndrome. Last evaluated: 2026-07-06. Review status: criteria provided, single submitter. Criteria: Ambry Variant Classification Scheme 2023. Collection method: clinical testing. Allele origin: germline.
Comment: The p.D2443N variant (also known as c.7327G>A), located in coding exon 13 of the BRCA2 gene, results from a G to A substitution at nucleotide position 7327. The aspartic acid at codon 2443 is replaced by asparagine, an amino acid with highly similar properties. This amino acid position is conserved. In addition, this alteration is predicted to be tolerated by in silico analysis. Based on the available evidence, the clinical significance of this variant remains unclear.

NM_000059.4(BRCA2):c.7327G>A (p.Asp2443Asn)

Gene: BRCA2 (BRCA2 DNA repair associated; plus strand). Cytogenetic location: 13q13.1.
Variant type: single nucleotide variant.
Coding change: c.7327G>A on transcript NM_000059.4 (MANE Select); coding-DNA position 7327, G replaced by A.
Protein change: p.Asp2443Asn; replaces aspartic acid 2443 with asparagine.
Molecular consequence: missense variant. On other transcripts: non-coding transcript variant (1).
Genome position (GRCh38, 1-based): chr13:32,355,180, G>A. VCF-style: chr13-32355180-G-A. GRCh37 (hg19) VCF-style: chr13-32929317-G-A.
Other names: c.7231G>A, p.Asp2411Asn (NM_001406719.1); c.7327G>A, p.Asp2443Asn (NM_001406720.1, NM_001432077.1); c.2395G>A, p.Asp799Asn (NM_001406721.1); c.910G>A, p.Asp304Asn (NM_001406722.1); short protein forms D799N, D2411N, D2443N, D304N.
Identifiers: ClinVar variation 5033265 (VCV005033265.1).